The following is an entry in ClinVar:

ClinVar aggregate classification (germline): Uncertain significance. Review status: reviewed by expert panel (3 of 4 stars). 7 submissions from 6 submitters: Uncertain significance (1). 6 of the submissions do not count toward it. Last evaluated 2023-10-23.

Conditions:
Hyperlactaemia.
Epilepsy. Also called: Seizure disorder. Identifiers: MedGen C0014544, MeSH D004827, MONDO:0005027.
Developmental delay. Also called: Delayed development. Identifiers: MedGen C0424605.
Axial hypotonia. Also called: Muscular hypotonia of the trunk. Identifiers: MedGen C1853743, HP:0008936.
Spastic paraplegia, mitochondrial. Identifiers: MedGen C5974902, MONDO:0975951, OMIM 500018.
Charcot-Marie-Tooth disease, axonal, mitochondrial form, 1. Identifiers: MedGen C5435765, MONDO:0025622, OMIM 500013.
Mitochondrial disease. Also called: Mitochondrial disorder; Mitochondrial disorders. Identifiers: Orphanet 68380, MedGen C0751651, MeSH D028361, MONDO:0044970.

Submissions (7):

ClinGen Mitochondrial Disease Nuclear and Mitochondrial  Variant Curation Expert Panel, ClinGen
Classification: Uncertain significance for Mitochondrial disease. Last evaluated: 2023-10-23. Review status: reviewed by expert panel. Criteria: McCormick et al. (Hum Mutat. 2020). Collection method: curation. Allele origin: germline. Inheritance: Mitochondrial inheritance.
Comment: The m.1661A>G variant in MT-TV has been reported in two unrelated families (PS4_supporting). Limited phenotypic details are provided in the first reported family (Patient 6 in Bacalhau et al., 2017, PMID: 28027978) however a subsequent publication reported the proband in this family had seizures, hypotonia, developmental delay, elevated blood lactate, and combined deficiency of electron transport chain enzyme activities (PMID: 32715519). The heteroplasmy level and information on family members and/or testing in family members were not reported in this first kindred. The second family reported was a large kindred from the Venezuelan Andes with axonal Charcot-Marie-Tooth (CMT) disease (motor and sensory neuropathy). Muscle weakness, muscle atrophy, and ataxia were also seen in the affected individuals in this family (Fay et al., 2020, PMID: 32715519). Muscle biopsies performed in several individuals showed denervation and reinnervation, in addition to mitochondrial hyperplasia, mildly increased glycogen, and the presence of mitochondrial crystalline arrays. Combined respiratory chain enzyme deficiencies were also seen in affected individuals from this kindred. The variant was present at homoplasmy in blood and/or muscle in both affected and unaffected individuals from this kindred. There are no reported de novo occurrences on this variant to our knowledge. The computational predictor MitoTIP suggests this variant is benign (27.6 percentile; BP4).This variant is present in population databases (MITOMAP: 1/61,168 sequences, AF=0.002%, haplogroup (Hg) H1c; Helix: 2/195,983 (0.001%), also 19 heteroplasmic occurrences, homoplasmic occurrences in Hg I and V, heteroplasmic in multiple haplogroups; and gnomAD v3.1.2: 2/56,398 (0.004%), also three heteroplasmic occurrences (heteroplasmy levels: 10-20%; 20-30%; 90-100%), one in Hg T, one in H, one in B, one in K, one in L3). Given the frequency of this variant, it does not meet PM2 criterion. There are no cybrids, single fiber studies, or other functional assays reported on this variant. In summary, this variant meets criteria to be classified as uncertain significance for primary mitochondrial disease inherited in a mitochondrial manner. This classification was approved by the NICHD/NINDS U24 ClinGen Mitochondrial Disease Variant Curation Expert Panel on October 23, 2023. Mitochondrial DNA-specific ACMG/AMP criteria applied (PMID: 32906214): PS4_supporting, BP4

Institute of Medical Genetics and Applied Genomics, University Hospital Tübingen
Classification: Likely pathogenic for Spastic paraplegia, mitochondrial. Last evaluated: 2026-04-20. Review status: criteria provided, single submitter. Criteria: ACMG Guidelines, 2015. Collection method: clinical testing. Allele origin: germline. Inheritance: Mitochondrial inheritance. Affected: yes. Not counted in ClinVar's aggregate classification.

3billion
Classification: Uncertain significance for Charcot-Marie-Tooth disease, axonal, mitochondrial form, 1. Last evaluated: 2025-11-07. Review status: criteria provided, single submitter. Criteria: ACMG Guidelines, 2015. Collection method: clinical testing. Allele origin: germline. Affected: yes. Not counted in ClinVar's aggregate classification.
Comment: The variant is observed at an extremely low frequency in the gnomAD v4.1.0 dataset (total allele frequency: 0.580%). Predicted Consequence/Location: Missense variant Functional studies provide strong evidence of the variant having a damaging effect on the gene or gene product (PMID: 20186691). In silico tool predictions suggest damaging effect of the variant on gene or gene product [REVEL: 0.92 (>=0.6, sensitivity 0.68 and specificity 0.92); 3Cnet: 0.92 (> 0.75, sensitivity 0.96 and precision 0.92)]. The same nucleotide change resulting in the same amino acid change has been previously reported as pathogenic/likely pathogenic with strong evidence (ClinVar ID: VCV000042016 /PMID: 18799786 /3billion dataset). The variant has been reported to be in trans with a pathogenic variant as either compound heterozygous or homozygous in at least 4 similarly affected unrelated individuals (PMID: 16534102, 23269439, 26626314, 30098094). A different missense change at the same codon (p.Ala510Leu) has been reported to be associated with SPG7-related disorder (ClinVar ID: VCV000989124 /PMID: 34983064). Therefore, this variant is classified as Pathogenic according to the recommendation of ACMG/AMP guideline.

Mendelics
Classification: Uncertain significance. Last evaluated: 2022-05-04. Review status: criteria provided, single submitter. Criteria: Mendelics Assertion Criteria 2019. Collection method: clinical testing. Allele origin: germline. Not counted in ClinVar's aggregate classification.

OMIM
Classification: Pathogenic for CHARCOT-MARIE-TOOTH DISEASE, AXONAL, MITOCHONDRIAL (1 family). Last evaluated: 2025-01-22. Review status: no assertion criteria provided. Collection method: literature only. Allele origin: germline. Not counted in ClinVar's aggregate classification.

OMIM
Classification: Pathogenic for SPASTIC PARAPLEGIA, MITOCHONDRIAL (1 family). Last evaluated: 2025-01-22. Review status: no assertion criteria provided. Collection method: literature only. Allele origin: germline. Not counted in ClinVar's aggregate classification.

Center for Neuroscience and Cell Biology, University of Coimbra, Portugal
Classification: Uncertain significance for Epilepsy; Axial hypotonia; Developmental delay; Hyperlactaemia. Last evaluated: 2016-11-21. Review status: no assertion criteria provided. Collection method: clinical testing. Allele origin: unknown. Affected: yes. Observed: 1 variant allele. Not counted in ClinVar's aggregate classification.

Literature cited by the submitters: PubMed 32715519 (cited by OMIM); PubMed 39468830 (cited by OMIM); PubMed 28027978 (cited by Center for Neuroscience and Cell Biology, University of Coimbra, Portugal).

NC_012920.1(MT-TV):m.1661A>G

Genes: MT-TW (mitochondrially encoded tRNA tryptophan; plus strand), MT-TY (mitochondrially encoded tRNA tyrosine; minus strand), MT-TQ (mitochondrially encoded tRNA glutamine; minus strand), MT-TV (mitochondrially encoded tRNA valine; plus strand), MT-ND1 (mitochondrially encoded NADH dehydrogenase 1; plus strand) and 11 more.
Variant type: single nucleotide variant.
Genome position: chrM-1661-A-G.
Other names: 1661A-G.
Identifiers: ClinVar variation 370043 (VCV000370043.12), dbSNP rs1057516055, ClinGen allele CA16040644.
Genomic context (GRCh38, chrMT:1,661, plus strand): 5'-CCAGAGTGTAGCTTAACACAAAGCACCCAACTTACACTTAGGAGATTTCAACTTAACTTG[A>G]CCGCTCTGAGCTAAACCTAGCCCCAAACCCACTCCACCTTACTACCAGACAACCTTAGCC-3'